The following is an entry in ClinVar:

NM_004655.4(AXIN2):c.1177G>T (p.Glu393Ter)

Gene: AXIN2 (axin 2; minus strand). Cytogenetic location: 17q24.1.
Variant type: single nucleotide variant.
Coding change: c.1177G>T on transcript NM_004655.4 (MANE Select); coding-DNA position 1177, G replaced by T.
Protein change: p.Glu393Ter; replaces glutamic acid 393 with a stop codon.
Molecular consequence: nonsense.
Genome position (GRCh38, 1-based): chr17:65,538,226, C>A on the plus strand (G>T on the coding strand, the complement: AXIN2 is on the minus strand). VCF-style: chr17-65538226-C-A. GRCh37 (hg19) VCF-style: chr17-63534344-C-A.
Other names: c.1177G>T, p.Glu393Ter (NM_001363813.1); short protein forms E393*.
Identifiers: ClinVar variation 2086216 (VCV002086216.4), dbSNP rs1555578459, ClinGen allele CA400678195.

ClinVar aggregate classification (germline): Pathogenic (1 of 4 stars; one submission).

Conditions:
Oligodontia-cancer predisposition syndrome. Also called: TOOTH AGENESIS-COLORECTAL CANCER SYNDROME. Identifiers: Orphanet 300576, MedGen C1837750, MONDO:0012075, OMIM 608615. Disease mechanism: loss of function.

Submission:

Labcorp Genetics (formerly Invitae), Labcorp
Classification: Pathogenic for Oligodontia-cancer predisposition syndrome. Last evaluated: 2022-01-17. Review status: criteria provided, single submitter. Criteria: Invitae Variant Classification Sherloc (09022015). Collection method: clinical testing. Allele origin: germline.
Comment: For these reasons, this variant has been classified as Pathogenic. This variant is not present in population databases (gnomAD no frequency). This sequence change creates a premature translational stop signal (p.Glu393*) in the AXIN2 gene. It is expected to result in an absent or disrupted protein product. Loss-of-function variants in AXIN2 are known to be pathogenic (PMID: 15042511, 21416598). This variant has not been reported in the literature in individuals affected with AXIN2-related conditions.

Literature cited by the submitters: PubMed 15042511; PubMed 21416598.